The following is an entry in ClinVar:

ClinVar aggregate classification (germline): Uncertain significance (1 of 4 stars; one submission).

Submission:

GeneDx
Classification: Uncertain significance. Last evaluated: 2025-02-05. Review status: criteria provided, single submitter. Criteria: GeneDx Variant Classification Process June 2021. Collection method: clinical testing. Allele origin: germline. Affected: yes.
Comment: Not observed at significant frequency in large population cohorts (gnomAD); In silico analysis indicates that this variant does not alter splicing; Has not been previously published as pathogenic or benign to our knowledge

NM_001130823.3(DNMT1):c.3171G>C (p.Leu1057=)

Gene: DNMT1 (DNA methyltransferase 1; minus strand). Cytogenetic location: 19p13.2.
Variant type: single nucleotide variant.
Coding change: c.3171G>C on transcript NM_001130823.3 (MANE Select); coding-DNA position 3171, G replaced by C.
Protein change: p.Leu1057=; no amino-acid change (leucine 1057 retained).
Molecular consequence: synonymous variant.
Genome position (GRCh38, 1-based): chr19:10,142,166, C>G on the plus strand (G>C on the coding strand, the complement: DNMT1 is on the minus strand). VCF-style: chr19-10142166-C-G. GRCh37 (hg19) VCF-style: chr19-10252842-C-G.
Other names: c.3123G>C, p.Leu1041= (NM_001318730.2, NM_001379.4); c.2808G>C, p.Leu936= (NM_001318731.2).
Identifiers: ClinVar variation 4074533 (VCV004074533.1).